The following is an entry in ClinVar:

NM_006514.4(SCN10A):c.2482C>T (p.Pro828Ser)

Gene: SCN10A (sodium voltage-gated channel alpha subunit 10; minus strand). Cytogenetic location: 3p22.2.
Variant type: single nucleotide variant.
Coding change: c.2482C>T on transcript NM_006514.4 (MANE Select); coding-DNA position 2482, C replaced by T.
Protein change: p.Pro828Ser; replaces proline 828 with serine.
Molecular consequence: missense variant.
Genome position (GRCh38, 1-based): chr3:38,728,700, G>A on the plus strand (C>T on the coding strand, the complement: SCN10A is on the minus strand). VCF-style: chr3-38728700-G-A. GRCh37 (hg19) VCF-style: chr3-38770191-G-A.
Other names: c.2482C>T, p.Pro828Ser (NM_001293306.2); c.2188C>T, p.Pro730Ser (NM_001293307.2); short protein forms P730S, P828S.
Identifiers: ClinVar variation 643478 (VCV000643478.5), dbSNP rs939348732, ClinGen allele CA72961972.

ClinVar aggregate classification (germline): Uncertain significance (1 of 4 stars; one submission).

Conditions:
Brugada syndrome. Also called: Sudden unexpected nocturnal death syndrome; Sudden unexplained nocturnal death syndrome; Sudden Unexplained Death Syndrome; Sudden Unexplained Nocturnal Death Syndrome (SUNDS). Identifiers: Orphanet 130, MedGen C1142166, MONDO:0015263.

Allele frequency attached by ClinVar (database versions not stated): TOPMed below 0.00001.

Submission:

Labcorp Genetics (formerly Invitae), Labcorp
Classification: Uncertain significance for Brugada syndrome. Last evaluated: 2022-03-18. Review status: criteria provided, single submitter. Criteria: Invitae Variant Classification Sherloc (09022015). Collection method: clinical testing. Allele origin: germline.
Comment: This sequence change replaces proline, which is neutral and non-polar, with serine, which is neutral and polar, at codon 828 of the SCN10A protein (p.Pro828Ser). This variant is not present in population databases (gnomAD no frequency). This variant has not been reported in the literature in individuals affected with SCN10A-related conditions. ClinVar contains an entry for this variant (Variation ID: 643478). Advanced modeling of protein sequence and biophysical properties (such as structural, functional, and spatial information, amino acid conservation, physicochemical variation, residue mobility, and thermodynamic stability) performed at Invitae indicates that this missense variant is expected to disrupt SCN10A protein function. In summary, the available evidence is currently insufficient to determine the role of this variant in disease. Therefore, it has been classified as a Variant of Uncertain Significance.